The following is an entry in ClinVar:

ClinVar aggregate classification (germline): Uncertain significance. Review status: criteria provided, multiple submitters, no conflicts (2 of 4 stars). 2 submissions from 2 submitters: Uncertain significance (2). Last evaluated 2024-06-05.

Allele frequency attached by ClinVar (database versions not stated): ExAC 0.00002; TOPMed 0.00005; gnomAD exomes 0.00009; ESP Exome Variant Server 0.00008; gnomAD 0.00003.
gnomAD v4.1: 138 of 1,613,972 alleles (0.0086%); highest among the groups gnomAD compares: Non-Finnish European, 0.011%; no homozygotes.

Submissions (2):

Ambry Genetics
Classification: Uncertain significance. Last evaluated: 2024-06-05. Review status: criteria provided, single submitter. Criteria: Ambry Variant Classification Scheme 2023. Collection method: clinical testing. Allele origin: germline.

Labcorp Genetics (formerly Invitae), Labcorp
Classification: Uncertain significance. Last evaluated: 2023-11-27. Review status: criteria provided, single submitter. Criteria: Invitae Variant Classification Sherloc (09022015). Collection method: clinical testing. Allele origin: germline.
Comment: This sequence change replaces serine, which is neutral and polar, with isoleucine, which is neutral and non-polar, at codon 296 of the FOXI1 protein (p.Ser296Ile). This variant is present in population databases (rs140395588, gnomAD 0.006%). This variant has not been reported in the literature in individuals affected with FOXI1-related conditions. ClinVar contains an entry for this variant (Variation ID: 2052473). Advanced modeling of protein sequence and biophysical properties (such as structural, functional, and spatial information, amino acid conservation, physicochemical variation, residue mobility, and thermodynamic stability) performed at Invitae indicates that this missense variant is not expected to disrupt FOXI1 protein function with a negative predictive value of 80%. In summary, the available evidence is currently insufficient to determine the role of this variant in disease. Therefore, it has been classified as a Variant of Uncertain Significance.

NM_012188.5(FOXI1):c.887G>T (p.Ser296Ile)

Gene: FOXI1 (forkhead box I1; plus strand). Cytogenetic location: 5q35.1.
Variant type: single nucleotide variant.
Coding change: c.887G>T on transcript NM_012188.5 (MANE Select); coding-DNA position 887, G replaced by T.
Protein change: p.Ser296Ile; replaces serine 296 with isoleucine.
Molecular consequence: missense variant.
Genome position (GRCh38, 1-based): chr5:170,108,361, G>T. VCF-style: chr5-170108361-G-T. GRCh37 (hg19) VCF-style: chr5-169535365-G-T.
Other names: c.602G>T, p.Ser201Ile (NM_144769.4); c.887G>T (NM_012188.4); short protein forms S201I, S296I.
Identifiers: ClinVar variation 2052473 (VCV002052473.5), dbSNP rs140395588, ClinGen allele CA3555128.
Genomic context (GRCh38, chr5:170,108,361, plus strand): 5'-CTTGCCTTAACAGCTTCCTTTCCTCTATGACAGCCTATGTGAGCGGGGGGAGCCCCACGA[G>T]CCACCCCTTGGTCACACCAGGACTGAGCCCTGAGCCCAGTGACAAGACGGGGCAGAACTC-3'
Protein context (NP_036320.2, residues 286-306): TAYVSGGSPT[Ser296Ile]HPLVTPGLSP